The following is an entry in ClinVar:

ClinVar aggregate classification (germline): Benign/Likely benign. Review status: criteria provided, multiple submitters, no conflicts (2 of 4 stars). 2 submissions from 2 submitters: Benign (1); Likely benign (1). Last evaluated 2026-01-11.

Conditions:
Hypertrophic cardiomyopathy 12. Identifiers: MedGen C2677491, MONDO:0012804, OMIM 612124.
Dilated cardiomyopathy 1M (CMD1M). Identifiers: Orphanet 154, MedGen C1843808, MONDO:0011840, OMIM 607482.

gnomAD v4.1: 7 of 1,588,636 alleles (0.00044%); highest among the groups gnomAD compares: Non-Finnish European, 0.00061%; no homozygotes.

Submissions (2):

Labcorp Genetics (formerly Invitae), Labcorp
Classification: Likely benign for Hypertrophic cardiomyopathy 12; Dilated cardiomyopathy 1M. Last evaluated: 2026-01-11. Review status: criteria provided, single submitter. Criteria: Invitae Variant Classification Sherloc (09022015). Collection method: clinical testing. Allele origin: germline.

GeneDx
Classification: Benign. Last evaluated: 2014-09-22. Review status: criteria provided, single submitter. Criteria: GeneDx Variant Classification (06012015). Collection method: clinical testing. Allele origin: germline. Affected: yes.
Comment: This variant is considered likely benign or benign based on one or more of the following criteria: it is a conservative change, it occurs at a poorly conserved position in the protein, it is predicted to be benign by multiple in silico algorithms, and/or has population frequency not consistent with disease.

NM_003476.5(CSRP3):c.509-20C>A

Gene: CSRP3 (cysteine and glycine rich protein 3; minus strand). Cytogenetic location: 11p15.1.
Variant type: single nucleotide variant.
Coding change: c.509-20C>A on transcript NM_003476.5 (MANE Select); 20 bases into the intron before coding-DNA position 509, C replaced by A.
Molecular consequence: intron variant.
Genome position (GRCh38, 1-based): chr11:19,182,766, G>T on the plus strand (C>A on the coding strand, the complement: CSRP3 is on the minus strand). VCF-style: chr11-19182766-G-T. GRCh37 (hg19) VCF-style: chr11-19204313-G-T.
Other names: c.509-20C>A (LRG_440t1); c.340-20C>A (NM_001369404.1).
Identifiers: ClinVar variation 201691 (VCV000201691.2), dbSNP rs375020550, ClinGen allele CA335099.